The following is an entry in ClinVar:

NM_001079872.2(CUL4B):c.1798G>A (p.Gly600Arg)

Gene: CUL4B (cullin 4B; minus strand). Cytogenetic location: Xq24.
Variant type: single nucleotide variant.
Coding change: c.1798G>A on transcript NM_001079872.2 (MANE Select); coding-DNA position 1798, G replaced by A.
Protein change: p.Gly600Arg; replaces glycine 600 with arginine.
Molecular consequence: missense variant.
Genome position (GRCh38, 1-based): chrX:120,538,714, C>T on the plus strand (G>A on the coding strand, the complement: CUL4B is on the minus strand). VCF-style: chrX-120538714-C-T. GRCh37 (hg19) VCF-style: chrX-119672569-C-T.
Other names: c.1813G>A, p.Gly605Arg (NM_001330624.2); c.1264G>A, p.Gly422Arg (NM_001369145.1); c.1852G>A, p.Gly618Arg (NM_003588.4); short protein forms G422R, G600R, G605R, G618R.
Identifiers: ClinVar variation 2574328 (VCV002574328.1), dbSNP rs1346994940, ClinGen allele CA414195524.

ClinVar aggregate classification (germline): Uncertain significance (1 of 4 stars; one submission).

Submission:

GeneDx
Classification: Uncertain significance. Last evaluated: 2023-01-26. Review status: criteria provided, single submitter. Criteria: GeneDx Variant Classification Process June 2021. Collection method: clinical testing. Allele origin: germline. Affected: yes.
Comment: In silico analysis supports that this missense variant has a deleterious effect on protein structure/function; Has not been previously published as pathogenic or benign to our knowledge